The following is an entry in ClinVar:

ClinVar aggregate classification (germline): Uncertain significance (1 of 4 stars; one submission).

Allele frequency attached by ClinVar (database versions not stated): gnomAD 0.00001.
gnomAD v4.1: 3 of 1,613,912 alleles (0.00019%); highest among the groups gnomAD compares: African/African-American, 0.0027%; no homozygotes.

Submission:

Labcorp Genetics (formerly Invitae), Labcorp
Classification: Uncertain significance. Last evaluated: 2022-03-10. Review status: criteria provided, single submitter. Criteria: Invitae Variant Classification Sherloc (09022015). Collection method: clinical testing. Allele origin: germline.
Comment: This sequence change replaces glutamic acid, which is acidic and polar, with aspartic acid, which is acidic and polar, at codon 718 of the OCA2 protein (p.Glu718Asp). This variant is present in population databases (no rsID available, gnomAD 0.007%). This variant has not been reported in the literature in individuals affected with OCA2-related conditions. Advanced modeling of protein sequence and biophysical properties (such as structural, functional, and spatial information, amino acid conservation, physicochemical variation, residue mobility, and thermodynamic stability) performed at Invitae indicates that this missense variant is not expected to disrupt OCA2 protein function. In summary, the available evidence is currently insufficient to determine the role of this variant in disease. Therefore, it has been classified as a Variant of Uncertain Significance.

NM_000275.3(OCA2):c.2154G>C (p.Glu718Asp)

Gene: OCA2 (OCA2 melanosomal transmembrane protein; minus strand). Cytogenetic location: 15q13.1.
Variant type: single nucleotide variant.
Coding change: c.2154G>C on transcript NM_000275.3 (MANE Select); coding-DNA position 2154, G replaced by C.
Protein change: p.Glu718Asp; replaces glutamic acid 718 with aspartic acid.
Molecular consequence: missense variant.
Genome position (GRCh38, 1-based): chr15:27,871,244, C>G on the plus strand (G>C on the coding strand, the complement: OCA2 is on the minus strand). VCF-style: chr15-27871244-C-G. GRCh37 (hg19) VCF-style: chr15-28116390-C-G.
Other names: c.2082G>C, p.Glu694Asp (NM_001300984.2); short protein forms E718D, E694D.
Identifiers: ClinVar variation 1350065 (VCV001350065.5), dbSNP rs752419245, ClinGen allele CA391363501.